The following is an entry in ClinVar:

ClinVar aggregate classification (germline): Uncertain significance (1 of 4 stars; one submission).

Conditions:
Inborn genetic diseases. Identifiers: MedGen C0950123, MeSH D030342.

gnomAD v4.1: 2 of 1,610,992 alleles (0.00012%); highest among the groups gnomAD compares: African/African-American, 0.0013%; no homozygotes.

Submission:

Ambry Genetics
Classification: Uncertain significance for Inborn genetic diseases. Last evaluated: 2026-05-21. Review status: criteria provided, single submitter. Criteria: Ambry Variant Classification Scheme 2023. Collection method: clinical testing. Allele origin: germline.
Comment: The p.S8R variant (also known as c.24T>G), located in coding exon 1 of the MBD4 gene, results from a T to G substitution at nucleotide position 24. The serine at codon 8 is replaced by arginine, an amino acid with dissimilar properties. This amino acid position is conserved. In addition, this alteration is predicted to be tolerated by in silico analysis. Based on the available evidence, the clinical significance of this variant remains unclear.

NM_001276270.2(MBD4):c.24T>G (p.Ser8Arg)

Genes: MBD4 (methyl-CpG binding domain 4, DNA glycosylase; minus strand), LOC129937550 (ATAC-STARR-seq lymphoblastoid active region 20512; plus strand). Cytogenetic location: 3q21.3.
Variant type: single nucleotide variant.
Coding change: c.24T>G on transcript NM_001276270.2 (MANE Select); coding-DNA position 24, T replaced by G.
Protein change: p.Ser8Arg; replaces serine 8 with arginine.
Molecular consequence: missense variant.
Genome position (GRCh38, 1-based): chr3:129,439,810, A>C on the plus strand (T>G on the coding strand, the complement: MBD4 is on the minus strand). VCF-style: chr3-129439810-A-C. GRCh37 (hg19) VCF-style: chr3-129158653-A-C.
Other names: c.24T>G, p.Ser8Arg (NM_001276271.2, NM_001276272.2, NM_001276273.2 and 1 more transcripts); short protein forms S8R.
Identifiers: ClinVar variation 4859615 (VCV004859615.1).